The following is an entry in ClinVar:

ClinVar aggregate classification (germline): Likely benign (0 of 4 stars; one submission).

Conditions:
SPAG17-related disorder. Also called: SPAG17-related condition.

Allele frequency attached by ClinVar (database versions not stated): gnomAD exomes 0.00038; ExAC 0.00142; 1000 Genomes Project 0.00359; gnomAD 0.00428; 1000 Genomes Project 30x 0.00437; ESP Exome Variant Server 0.00438; TOPMed 0.00494.
gnomAD v4.1: 1,207 of 1,570,666 alleles (0.077%); highest among the groups gnomAD compares: African/African-American, 1.5%; 13 homozygotes.

Submission:

PreventionGenetics, part of Exact Sciences
Classification: Likely benign for SPAG17-related condition. Last evaluated: 2019-02-28. Review status: no assertion criteria provided. Collection method: clinical testing. Allele origin: germline.
Comment: This variant is classified as likely benign based on ACMG/AMP sequence variant interpretation guidelines (Richards et al. 2015 PMID: 25741868, with internal and published modifications).

NM_206996.4(SPAG17):c.1384G>A (p.Val462Ile)

Gene: SPAG17 (sperm associated antigen 17; minus strand). Cytogenetic location: 1p12.
Variant type: single nucleotide variant.
Coding change: c.1384G>A on transcript NM_206996.4 (MANE Select); coding-DNA position 1384, G replaced by A.
Protein change: p.Val462Ile; replaces valine 462 with isoleucine.
Molecular consequence: missense variant.
Genome position (GRCh38, 1-based): chr1:118,086,984, C>T on the plus strand (G>A on the coding strand, the complement: SPAG17 is on the minus strand). VCF-style: chr1-118086984-C-T. GRCh37 (hg19) VCF-style: chr1-118629607-C-T.
Other names: short protein forms V462I.
Identifiers: ClinVar variation 3050028 (VCV003050028.2), dbSNP rs116790674, ClinGen allele CA1034315.